The following is an entry in ClinVar:

NM_004304.5(ALK):c.2041+4A>G

Gene: ALK (ALK receptor tyrosine kinase; minus strand). Cytogenetic location: 2p23.2.
Variant type: single nucleotide variant.
Coding change: c.2041+4A>G on transcript NM_004304.5 (MANE Select); 4 bases into the intron after coding-DNA position 2041, A replaced by G.
Molecular consequence: intron variant.
Genome position (GRCh38, 1-based): chr2:29,275,095, T>C on the plus strand (A>G on the coding strand, the complement: ALK is on the minus strand). VCF-style: chr2-29275095-T-C. GRCh37 (hg19) VCF-style: chr2-29497961-T-C.
Other names: c.2041+4A>G (NM_004304.4).
Identifiers: ClinVar variation 1349480 (VCV001349480.8), dbSNP rs1172214438, ClinGen allele CA767520995.
Genomic context (GRCh38, chr2:29,275,095, plus strand): 5'-AATCTTTCTTCTGCCTTTTGCAACAAGAAGTTACTGTGCTCACATTTGTGAGCTGAACCC[T>C]TACCTGTAGGGTCAAAGATGGGGGTCTGTCTTGGTGAATTTTCCCCGGGTTTCAGCTCCT-3'

ClinVar aggregate classification (germline): Uncertain significance. Review status: criteria provided, multiple submitters, no conflicts (2 of 4 stars). 3 submissions from 3 submitters: Uncertain significance (3). Last evaluated 2026-01-02.

Conditions:
Neuroblastoma, susceptibility to, 3. Also called: ALK-Related Neuroblastic Tumor Susceptibility. Identifiers: Orphanet 635, MedGen C2751681, MONDO:0013083, OMIM 613014.
Hereditary cancer-predisposing syndrome. Also called: Neoplastic Syndromes, Hereditary; Hereditary Cancer Syndrome; Tumor predisposition; Hereditary neoplastic syndrome. Identifiers: Orphanet 140162, MedGen C0027672, MeSH D009386, MONDO:0015356.

Allele frequency attached by ClinVar (database versions not stated): TOPMed 0.00001; gnomAD 0.00001.
gnomAD v4.1: 2 of 1,613,956 alleles (0.00012%); highest among the groups gnomAD compares: Non-Finnish European, 0.00017%; no homozygotes.

Submissions (3):

Labcorp Genetics (formerly Invitae), Labcorp
Classification: Uncertain significance for Neuroblastoma, susceptibility to, 3. Last evaluated: 2026-01-02. Review status: criteria provided, single submitter. Criteria: Invitae Variant Classification Sherloc (09022015). Collection method: clinical testing. Allele origin: germline.
Comment: This sequence change falls in intron 11 of the ALK gene. It does not directly change the encoded amino acid sequence of the ALK protein. It affects a nucleotide within the consensus splice site. This variant is not present in population databases (gnomAD no frequency). This variant has not been reported in the literature in individuals affected with ALK-related conditions. ClinVar contains an entry for this variant (Variation ID: 1349480). Variants that disrupt the consensus splice site are a relatively common cause of aberrant splicing (PMID: 17576681, 9536098). Algorithms developed to predict the effect of sequence changes on RNA splicing suggest that this variant is not likely to affect RNA splicing. In summary, the available evidence is currently insufficient to determine the role of this variant in disease. Therefore, it has been classified as a Variant of Uncertain Significance.

Ambry Genetics
Classification: Uncertain significance for Hereditary cancer-predisposing syndrome. Last evaluated: 2025-06-03. Review status: criteria provided, single submitter. Criteria: Ambry Variant Classification Scheme 2023. Collection method: clinical testing. Allele origin: germline.
Comment: The c.2041+4A>G intronic variant results from an A to G substitution 4 nucleotides after coding exon 11 in the ALK gene. This nucleotide position is highly conserved in available vertebrate species. In silico splice site analysis predicts that this alteration will not have any significant effect on splicing. Based on the available evidence, the clinical significance of this variant remains unclear.

GeneDx
Classification: Uncertain significance. Last evaluated: 2024-03-10. Review status: criteria provided, single submitter. Criteria: GeneDx Variant Classification Process June 2021. Collection method: clinical testing. Allele origin: germline.
Comment: Not observed at significant frequency in large population cohorts (gnomAD); In silico analysis supports that this variant does not alter splicing; Has not been previously published as pathogenic or benign to our knowledge

Literature cited by the submitters: PubMed 17576681 (cited by Labcorp Genetics (formerly Invitae), Labcorp); PubMed 9536098 (cited by Labcorp Genetics (formerly Invitae), Labcorp).